The following is an entry in ClinVar:

NM_005618.4(DLL1):c.2002del (p.Gln668fs)

Genes: DLL1 (delta like canonical Notch ligand 1; minus strand), LOC126859913 (P300/CBP strongly-dependent group 1 enhancer GRCh37_chr6:170591232-170592431; plus strand). Cytogenetic location: 6q27.
Variant type: Deletion.
Coding change: c.2002del on transcript NM_005618.4 (MANE Select); coding-DNA position 2002, one base deleted (C; older notation c.2002delC).
Protein change: p.Gln668fs; shifts the reading frame from glutamine 668.
Molecular consequence: frameshift variant.
Genome position (GRCh38, 1-based): chr6:170,283,277, G deleted on the plus strand (C on the coding strand, the reverse complement: DLL1 is on the minus strand); the first of 4 consecutive G bases (chr6:170,283,277-170,283,280); deleting any one gives the same sequence. VCF-style (leftmost placement, unchanged base first): chr6-170283276-TG-T. GRCh37 (hg19) VCF-style: chr6-170592364-TG-T.
Other names: short protein forms Q668fs.
Identifiers: ClinVar variation 3651876 (VCV003651876.2).

ClinVar aggregate classification (germline): Uncertain significance (1 of 4 stars; one submission).

Submission:

Labcorp Genetics (formerly Invitae), Labcorp
Classification: Uncertain significance. Last evaluated: 2024-05-02. Review status: criteria provided, single submitter. Criteria: Invitae Variant Classification Sherloc (09022015). Collection method: clinical testing. Allele origin: germline.
Comment: This sequence change creates a premature translational stop signal (p.Gln668Argfs*52) in the DLL1 gene. While this is not anticipated to result in nonsense mediated decay, it is expected to disrupt the last 56 amino acid(s) of the DLL1 protein. This variant is not present in population databases (gnomAD no frequency). This variant has not been reported in the literature in individuals affected with DLL1-related conditions. This variant disrupts a region of the DLL1 protein in which other variant(s) (p.Lys675Arg) have been observed in individuals with DLL1-related conditions (Invitae). This suggests that this is a clinically significant region of the protein, and that variants that disrupt it are likely to be disease-causing. In summary, the available evidence is currently insufficient to determine the role of this variant in disease. Therefore, it has been classified as a Variant of Uncertain Significance.